The following is an entry in ClinVar:

ClinVar aggregate classification (germline): Benign. Review status: criteria provided, multiple submitters, no conflicts (2 of 4 stars). 3 submissions from 3 submitters: Benign (3). Last evaluated 2026-01-26.

Conditions:
Retinal dystrophy. Also called: Inherited retinal dystrophy. Identifiers: Orphanet 71862, MedGen C0854723, MeSH D058499, MONDO:0019118, HP:0000556.
Retinitis pigmentosa (RP). Identifiers: Orphanet 791, MedGen C0035334, MeSH D012174, MONDO:0019200, OMIM 268000. Inheritance: Autosomal dominant, autosomal recessive and X linked inheritance.

Allele frequency attached by ClinVar (database versions not stated): gnomAD 0.00041 and 0.00063; gnomAD exomes 0.00054 and 0.00160; TOPMed 0.00072; ExAC 0.00180; 1000 Genomes Project 30x 0.00468; 1000 Genomes Project 0.00519.
gnomAD v4.1: 922 of 1,607,534 alleles (0.057%); highest among the groups gnomAD compares: East Asian, 1.9%; 16 homozygotes.

Submissions (3):

Labcorp Genetics (formerly Invitae), Labcorp
Classification: Benign. Last evaluated: 2026-01-26. Review status: criteria provided, single submitter. Criteria: Invitae Variant Classification Sherloc (09022015). Collection method: clinical testing. Allele origin: germline.

Dept Of Ophthalmology, Nagoya University
Classification: Benign for Retinal dystrophy. Last evaluated: 2023-10-01. Review status: criteria provided, single submitter. Criteria: Submitter's publication. Collection method: research. Allele origin: germline. Affected: yes.

Illumina Laboratory Services, Illumina
Classification: Benign for Retinitis pigmentosa. Last evaluated: 2018-01-13. Review status: criteria provided, single submitter. Criteria: ICSL Variant Classification Criteria 13 December 2019. Collection method: clinical testing. Allele origin: germline.
Comment: This variant was observed in the ICSL laboratory as part of a predisposition screen in an ostensibly healthy population. It had not been previously curated by ICSL or reported in the Human Gene Mutation Database (HGMD: prior to June 1st, 2018), and was therefore a candidate for classification through an automated scoring system. Utilizing variant allele frequency, disease prevalence and penetrance estimates, and inheritance mode, an automated score was calculated to assess if this variant is too frequent to cause the disease. Based on the score and internal cut-off values, a variant classified as benign is not then subjected to further curation. The score for this variant resulted in a classification of benign for this disease.

NM_012469.4(PRPF6):c.42C>T (p.Pro14=)

Gene: PRPF6 (pre-mRNA processing factor 6; plus strand). Cytogenetic location: 20q13.33.
Variant type: single nucleotide variant.
Coding change: c.42C>T on transcript NM_012469.4 (MANE Select); coding-DNA position 42, C replaced by T.
Protein change: p.Pro14=; no amino-acid change (proline 14 retained).
Molecular consequence: synonymous variant.
Genome position (GRCh38, 1-based): chr20:63,981,287, C>T. VCF-style: chr20-63981287-C-T. GRCh37 (hg19) VCF-style: chr20-62612640-C-T.
Identifiers: ClinVar variation 339461 (VCV000339461.16), dbSNP rs186249212, ClinGen allele CA9971771.